The following is an entry in ClinVar:

NM_001303457.2(TTI1):c.1229T>C (p.Leu410Pro)

Gene: TTI1 (TELO2 interacting protein 1; minus strand). Cytogenetic location: 20q11.23.
Variant type: single nucleotide variant.
Coding change: c.1229T>C on transcript NM_001303457.2 (MANE Select); coding-DNA position 1229, T replaced by C.
Protein change: p.Leu410Pro; replaces leucine 410 with proline.
Molecular consequence: missense variant.
Genome position (GRCh38, 1-based): chr20:38,012,588, A>G on the plus strand (T>C on the coding strand, the complement: TTI1 is on the minus strand). VCF-style: chr20-38012588-A-G. GRCh37 (hg19) VCF-style: chr20-36640990-A-G.
Other names: c.1229T>C, p.Leu410Pro (NM_014657.3); short protein forms L410P.
Identifiers: ClinVar variation 4855874 (VCV004855874.1).

ClinVar aggregate classification (germline): Uncertain significance (1 of 4 stars; one submission).

Conditions:
Neurodevelopmental disorder with microcephaly and movement abnormalities (NEDMIM). Identifiers: MedGen C5830624, MONDO:0957531, OMIM 620445.

Submission:

3billion
Classification: Uncertain significance for Neurodevelopmental disorder with microcephaly and movement abnormalities. Last evaluated: 2025-12-22. Review status: criteria provided, single submitter. Criteria: ACMG Guidelines, 2015. Collection method: clinical testing. Allele origin: germline. Affected: yes.
Comment: The variant is not observed in the gnomAD v4.1.0 dataset. Predicted Consequence/Location: Missense variant. Missense changes are a common disease-causing mechanism. In silico tool prediction suggests damaging effect of the variant on gene or gene product [REVEL: 0.64 (>=0.6, sensitivity 0.68 and specificity 0.92)]. Therefore, this variant is classified as VUS according to the recommendation of ACMG/AMP guideline.